The following is an entry in ClinVar:

ClinVar aggregate classification (germline): Benign/Likely benign. Review status: criteria provided, multiple submitters, no conflicts (2 of 4 stars). 10 submissions from 10 submitters: Benign (5); Likely benign (4). 1 of the submissions does not count toward it. Last evaluated 2026-01-22.

Conditions:
Aicardi-Goutieres syndrome 3. Identifiers: Orphanet 51, MedGen C1835916, MONDO:0012471, OMIM 610329.

Allele frequency attached by ClinVar (database versions not stated): ESP Exome Variant Server 0.00008; gnomAD exomes 0.00111 and 0.00280; gnomAD 0.00135 and 0.00159; 1000 Genomes Project 0.00180; 1000 Genomes Project 30x 0.00203; TOPMed 0.00265; ExAC 0.00369.
gnomAD v4.1: 1,841 of 1,579,226 alleles (0.12%); highest among the groups gnomAD compares: East Asian, 1.6%; 16 homozygotes.

Submissions (10):

Women's Health and Genetics/Laboratory Corporation of America, LabCorp
Classification: Benign. Last evaluated: 2026-01-22. Review status: criteria provided, single submitter. Criteria: LabCorp Variant Classification Summary - May 2015. Collection method: clinical testing. Allele origin: germline.

Blueprint Genetics
Classification: Likely benign. Last evaluated: 2024-11-06. Review status: criteria provided, single submitter. Criteria: ACMG Guidelines, 2015. Collection method: clinical testing. Allele origin: germline.

Athena Diagnostics
Classification: Benign. Last evaluated: 2024-10-10. Review status: criteria provided, single submitter. Criteria: Athena Diagnostics Criteria. Collection method: clinical testing. Allele origin: unknown.

Mayo Clinic Laboratories, Mayo Clinic
Classification: Benign. Last evaluated: 2024-01-03. Review status: criteria provided, single submitter. Criteria: ACMG Guidelines, 2015. Collection method: clinical testing. Allele origin: germline. Observed: 6 variant alleles.
Comment: BS1, BS2, BP4, BP7

GeneDx
Classification: Likely benign. Last evaluated: 2018-10-21. Review status: criteria provided, single submitter. Criteria: GeneDx Variant Classification Process June 2021. Collection method: clinical testing. Allele origin: germline. Affected: yes.

Illumina Laboratory Services, Illumina
Classification: Benign for Aicardi-Goutieres syndrome 3. Last evaluated: 2018-01-13. Review status: criteria provided, single submitter. Criteria: ICSL Variant Classification Criteria 13 December 2019. Collection method: clinical testing. Allele origin: germline.
Comment: This variant was observed in the ICSL laboratory as part of a predisposition screen in an ostensibly healthy population. It had not been previously curated by ICSL or reported in the Human Gene Mutation Database (HGMD: prior to June 1st, 2018), and was therefore a candidate for classification through an automated scoring system. Utilizing variant allele frequency, disease prevalence and penetrance estimates, and inheritance mode, an automated score was calculated to assess if this variant is too frequent to cause the disease. Based on the score and internal cut-off values, a variant classified as benign is not then subjected to further curation. The score for this variant resulted in a classification of benign for this disease.

Clinical Genetics DNA and cytogenetics Diagnostics Lab, Erasmus MC, Erasmus Medical Center
Classification: Likely benign for Aicardi-Goutieres syndrome 3. Last evaluated: 2015-09-21. Review status: criteria provided, single submitter. Criteria: ACGS Guidelines, 2013. Collection method: clinical testing. Allele origin: germline. Affected: yes. Study: VKGL Data-share Consensus.

Breakthrough Genomics
Classification: Likely benign. Review status: criteria provided, single submitter. Criteria: ACMG Guidelines, 2015. Collection method: not provided. Allele origin: germline. Inheritance: Autosomal recessive inheritance. Affected: yes.

PreventionGenetics, part of Exact Sciences
Classification: Benign. Review status: criteria provided, single submitter. Criteria: ACMG Guidelines, 2015. Collection method: clinical testing. Allele origin: germline.

Diagnostic Laboratory, Department of Genetics, University Medical Center Groningen
Classification: Likely benign for Aicardi-Goutieres syndrome 3. Review status: no assertion criteria provided. Collection method: clinical testing. Allele origin: germline. Affected: yes. Study: VKGL Data-share Consensus. Not counted in ClinVar's aggregate classification.

NM_032193.4(RNASEH2C):c.-10A>G

Gene: RNASEH2C (ribonuclease H2 subunit C; minus strand). Cytogenetic location: 11q13.1.
Variant type: single nucleotide variant.
Coding change: c.-10A>G on transcript NM_032193.4 (MANE Select); 10 bases upstream of the start codon, A replaced by G.
Molecular consequence: 5 prime UTR variant.
Genome position (GRCh38, 1-based): chr11:65,720,768, T>C on the plus strand (A>G on the coding strand, the complement: RNASEH2C is on the minus strand). VCF-style: chr11-65720768-T-C. GRCh37 (hg19) VCF-style: chr11-65488239-T-C.
Identifiers: ClinVar variation 262018 (VCV000262018.15), dbSNP rs77371161, ClinGen allele CA6107857.